The following is an entry in ClinVar:

ClinVar aggregate classification (germline): Uncertain significance (1 of 4 stars; one submission).

Conditions:
Baller-Gerold syndrome (BGS). Also called: CRANIOSYNOSTOSIS WITH RADIAL DEFECTS. Identifiers: Orphanet 1225, MedGen C0265308, MONDO:0009039, OMIM 218600.

Submission:

Labcorp Genetics (formerly Invitae), Labcorp
Classification: Uncertain significance for Baller-Gerold syndrome. Last evaluated: 2025-08-04. Review status: criteria provided, single submitter. Criteria: Invitae Variant Classification Sherloc (09022015). Collection method: clinical testing. Allele origin: germline.
Comment: This sequence change replaces arginine, which is basic and polar, with proline, which is neutral and non-polar, at codon 1162 of the RECQL4 protein (p.Arg1162Pro). This variant is present in population databases (rs747815189, gnomAD 0.01%). This variant has not been reported in the literature in individuals affected with RECQL4-related conditions. ClinVar contains an entry for this variant (Variation ID: 573879). Invitae Evidence Modeling of protein sequence and biophysical properties (such as structural, functional, and spatial information, amino acid conservation, physicochemical variation, residue mobility, and thermodynamic stability) indicates that this missense variant is expected to disrupt RECQL4 protein function with a positive predictive value of 80%. In summary, the available evidence is currently insufficient to determine the role of this variant in disease. Therefore, it has been classified as a Variant of Uncertain Significance.

NM_004260.4(RECQL4):c.3485G>C (p.Arg1162Pro)

Gene: RECQL4 (RecQ like helicase 4; minus strand). Cytogenetic location: 8q24.3.
Variant type: single nucleotide variant.
Coding change: c.3485G>C on transcript NM_004260.4 (MANE Select); coding-DNA position 3485, G replaced by C.
Protein change: p.Arg1162Pro; replaces arginine 1162 with proline.
Molecular consequence: missense variant.
Genome position (GRCh38, 1-based): chr8:144,511,698, C>G on the plus strand (G>C on the coding strand, the complement: RECQL4 is on the minus strand). VCF-style: chr8-144511698-C-G. GRCh37 (hg19) VCF-style: chr8-145737081-C-G.
Other names: short protein forms R1162P.
Identifiers: ClinVar variation 573879 (VCV000573879.5), dbSNP rs747815189, ClinGen allele CA4947721.